The following is an entry in ClinVar:

NM_000214.3(JAG1):c.3169G>A (p.Val1057Ile)

Gene: JAG1 (jagged canonical Notch ligand 1; minus strand). Cytogenetic location: 20p12.2.
Variant type: single nucleotide variant.
Coding change: c.3169G>A on transcript NM_000214.3 (MANE Select); coding-DNA position 3169, G replaced by A.
Protein change: p.Val1057Ile; replaces valine 1057 with isoleucine.
Molecular consequence: missense variant.
Genome position (GRCh38, 1-based): chr20:10,640,813, C>T on the plus strand (G>A on the coding strand, the complement: JAG1 is on the minus strand). VCF-style: chr20-10640813-C-T. GRCh37 (hg19) VCF-style: chr20-10621461-C-T.
Other names: short protein forms V1057I.
Identifiers: ClinVar variation 1728397 (VCV001728397.5), dbSNP rs374758954, ClinGen allele CA311368020.

ClinVar aggregate classification (germline): Uncertain significance. Review status: criteria provided, multiple submitters, no conflicts (2 of 4 stars). 3 submissions from 3 submitters: Uncertain significance (3). Last evaluated 2025-09-15.

Conditions:
Alagille syndrome due to a JAG1 point mutation. Also called: HEPATIC DUCTULAR HYPOPLASIA, SYNDROMATIC; JAG1-Related Alagille Syndrome; Alagille Syndrome 1. Identifiers: Orphanet 261619, Orphanet 52, MedGen C1956125, MONDO:0016862, OMIM 118450.
Deafness, congenital heart defects, and posterior embryotoxon (DCHE). Identifiers: MedGen C1866053, MONDO:0060713, OMIM 617992.
Charcot-Marie-Tooth disease, axonal, Type 2HH. Also called: CHARCOT-MARIE-TOOTH NEUROPATHY, TYPE 2HH. Identifiers: MedGen C5562003, MONDO:0030458, OMIM 619574.
Tetralogy of Fallot (TOF). Identifiers: Orphanet 3303, MedGen C0039685, MONDO:0008542, OMIM 187500, HP:0001636.
Cardiovascular phenotype. Identifiers: MedGen CN230736.
JAG1-related disorder. Also called: JAG1-related disorders; JAG1-related condition.

Allele frequency attached by ClinVar (database versions not stated): ESP Exome Variant Server 0.00008.
gnomAD v4.1: 1 of 1,614,090 alleles (0.000062%); highest among the groups gnomAD compares: African/African-American, 0.0013%; no homozygotes.

Submissions (3):

PreventionGenetics, part of Exact Sciences
Classification: Uncertain significance for JAG1-related condition. Last evaluated: 2025-09-15. Review status: criteria provided, single submitter. Criteria: ACMG Guidelines, 2015. Collection method: clinical testing. Allele origin: germline.
Comment: The JAG1 c.3169G>A variant is predicted to result in the amino acid substitution p.Val1057Ile. To our knowledge, this variant has not been reported in the literature. This variant is reported in 0.0054% of alleles in individuals of East Asian descent in gnomAD. At this time, the clinical significance of this variant is uncertain due to the absence of conclusive functional and genetic evidence.

Ambry Genetics
Classification: Uncertain significance for Cardiovascular phenotype. Last evaluated: 2025-02-15. Review status: criteria provided, single submitter. Criteria: Ambry Variant Classification Scheme 2023. Collection method: clinical testing. Allele origin: germline.
Comment: The p.V1057I variant (also known as c.3169G>A), located in coding exon 25 of the JAG1 gene, results from a G to A substitution at nucleotide position 3169. The valine at codon 1057 is replaced by isoleucine, an amino acid with highly similar properties. This amino acid position is conserved. In addition, the in silico prediction for this alteration is inconclusive. Since supporting evidence is limited at this time, the clinical significance of this alteration remains unclear.

Fulgent Genetics
Classification: Uncertain significance for Alagille syndrome due to a JAG1 point mutation; Tetralogy of Fallot; Deafness, congenital heart defects, and posterior embryotoxon; Charcot-Marie-Tooth disease, axonal, Type 2HH. Last evaluated: 2024-04-08. Review status: criteria provided, single submitter. Criteria: ACMG Guidelines, 2015. Collection method: clinical testing. Allele origin: germline.